The following is an entry in ClinVar:

ClinVar aggregate classification (germline): Uncertain significance (1 of 4 stars; one submission).

Conditions:
Amyotrophic lateral sclerosis type 4 (ALS4). Also called: AMYOTROPHIC LATERAL SCLEROSIS 4, JUVENILE; NEURONOPATHY, DISTAL HEREDITARY MOTOR, WITH PYRAMIDAL FEATURES. Identifiers: Orphanet 357043, MedGen C1865409, MONDO:0011223, OMIM 602433.
Spinocerebellar ataxia, autosomal recessive, with axonal neuropathy 2 (SCAN2). Also called: Ataxia-ocular apraxia-2; Ataxia with Oculomotor Apraxia; ATAXIA-OCULOMOTOR APRAXIA 2; Ataxia with Oculomotor Apraxia Type 2. Identifiers: Orphanet 64753, MedGen C1853761, MONDO:0018996, OMIM 606002.

Submission:

Labcorp Genetics (formerly Invitae), Labcorp
Classification: Uncertain significance for Amyotrophic lateral sclerosis type 4; Spinocerebellar ataxia, autosomal recessive, with axonal neuropathy 2. Last evaluated: 2022-08-18. Review status: criteria provided, single submitter. Criteria: Invitae Variant Classification Sherloc (09022015). Collection method: clinical testing. Allele origin: germline.
Comment: This variant is not present in population databases (gnomAD no frequency). This variant has not been reported in the literature in individuals affected with SETX-related conditions. Advanced modeling of protein sequence and biophysical properties (such as structural, functional, and spatial information, amino acid conservation, physicochemical variation, residue mobility, and thermodynamic stability) performed at Invitae indicates that this missense variant is not expected to disrupt SETX protein function. In summary, the available evidence is currently insufficient to determine the role of this variant in disease. Therefore, it has been classified as a Variant of Uncertain Significance. This sequence change replaces threonine, which is neutral and polar, with isoleucine, which is neutral and non-polar, at codon 1616 of the SETX protein (p.Thr1616Ile).

NM_015046.7(SETX):c.4847C>T (p.Thr1616Ile)

Gene: SETX (senataxin; minus strand). Cytogenetic location: 9q34.13.
Variant type: single nucleotide variant.
Coding change: c.4847C>T on transcript NM_015046.7 (MANE Select); coding-DNA position 4847, C replaced by T.
Protein change: p.Thr1616Ile; replaces threonine 1616 with isoleucine.
Molecular consequence: missense variant.
Genome position (GRCh38, 1-based): chr9:132,326,751, G>A on the plus strand (C>T on the coding strand, the complement: SETX is on the minus strand). VCF-style: chr9-132326751-G-A. GRCh37 (hg19) VCF-style: chr9-135202138-G-A.
Other names: c.4847C>T, p.Thr1616Ile (NM_001351527.2, NM_001351528.2); short protein forms T1616I.
Identifiers: ClinVar variation 2039527 (VCV002039527.4), dbSNP rs2539091121, ClinGen allele CA375323853.